The following is an entry in ClinVar:

ClinVar aggregate classification (germline): Likely benign. Review status: criteria provided, multiple submitters, no conflicts (2 of 4 stars). 2 submissions from 2 submitters: Likely benign (2). Last evaluated 2025-08-01.

Conditions:
Familial adenomatous polyposis 1 (FAP1). Also called: POLYPOSIS, ADENOMATOUS INTESTINAL; FAMILIAL ADENOMATOUS POLYPOSIS 1, ATTENUATED. Identifiers: MedGen C2713442, MONDO:0021056, OMIM 175100. Disease mechanism: loss of function.

Submissions (2):

CeGaT Center for Human Genetics Tuebingen
Classification: Likely benign. Last evaluated: 2025-08-01. Review status: criteria provided, single submitter. Criteria: CeGaT Center For Human Genetics Tuebingen Variant Classification Criteria Version 2. Collection method: clinical testing. Allele origin: germline. Affected: yes. Observed: 1 variant allele.
Comment: APC: PM2:Supporting, BP4, BP7

Labcorp Genetics (formerly Invitae), Labcorp
Classification: Likely benign for Familial adenomatous polyposis 1. Last evaluated: 2024-06-17. Review status: criteria provided, single submitter. Criteria: Invitae Variant Classification Sherloc (09022015). Collection method: clinical testing. Allele origin: germline.

NM_000038.6(APC):c.3106T>C (p.Leu1036=)

Gene: APC (APC regulator of Wnt signaling pathway; plus strand). Cytogenetic location: 5q22.2.
Variant type: single nucleotide variant.
Coding change: c.3106T>C on transcript NM_000038.6 (MANE Select); coding-DNA position 3106, T replaced by C.
Protein change: p.Leu1036=; no amino-acid change (leucine 1036 retained).
Molecular consequence: synonymous variant. On other transcripts: non-coding transcript variant (2).
Genome position (GRCh38, 1-based): chr5:112,838,700, T>C. VCF-style: chr5-112838700-T-C. GRCh37 (hg19) VCF-style: chr5-112174397-T-C.
Other names: c.3076T>C, p.Leu1026= (NM_001407452.1); c.2929T>C, p.Leu977= (NM_001407453.1, NM_001354901.2); c.2857T>C, p.Leu953= (NM_001407454.1, NM_001407455.1, NM_001407456.1 and 1 more transcripts); c.2803T>C, p.Leu935= (NM_001407458.1, NM_001407459.1, NM_001407460.1 and 1 more transcripts); c.2719T>C, p.Leu907= (NM_001407467.1, NM_001407469.1); c.2257T>C, p.Leu753= (NM_001407470.1, NM_001354906.2); c.1954T>C, p.Leu652= (NM_001407471.1, NM_001407472.1); c.3106T>C, p.Leu1036= (NM_001127510.3, NM_001354895.2, NM_001407450.1); and 11 more.
Identifiers: ClinVar variation 3707481 (VCV003707481.10).